The following is an entry in ClinVar:

NM_003647.3(DGKE):c.1347C>T (p.Ile449=)

Gene: DGKE (diacylglycerol kinase epsilon; plus strand). Cytogenetic location: 17q22.
Variant type: single nucleotide variant.
Coding change: c.1347C>T on transcript NM_003647.3 (MANE Select); coding-DNA position 1347, C replaced by T.
Protein change: p.Ile449=; no amino-acid change (isoleucine 449 retained).
Molecular consequence: synonymous variant.
Genome position (GRCh38, 1-based): chr17:56,861,853, C>T. VCF-style: chr17-56861853-C-T. GRCh37 (hg19) VCF-style: chr17-54939214-C-T.
Identifiers: ClinVar variation 1712363 (VCV001712363.10), dbSNP rs202084326, ClinGen allele CA8663792.

ClinVar aggregate classification (germline): Conflicting classifications of pathogenicity. Review status: criteria provided, conflicting classifications (1 of 4 stars). 4 submissions from 4 submitters: Uncertain significance (1); Likely benign (2). 1 of the submissions does not count toward it. Last evaluated 2025-04-12.

Conditions:
DGKE-related disorder. Also called: DGKE-related condition.
Kidney disorder. Also called: renal disease; renal disorder; Nephropathy; Kidney disease; Kidney Diseases. Identifiers: MedGen C0022658, MONDO:0005240, HP:0000112.

Allele frequency attached by ClinVar (database versions not stated): ExAC 0.00002; gnomAD exomes 0.00004; gnomAD 0.00007; TOPMed 0.00012; 1000 Genomes Project 0.00020; 1000 Genomes Project 30x 0.00031.
gnomAD v4.1: 80 of 1,613,850 alleles (0.005%); highest among the groups gnomAD compares: Admixed American, 0.0067%; no homozygotes.

Submissions (4):

Labcorp Genetics (formerly Invitae), Labcorp
Classification: Likely benign. Last evaluated: 2025-04-12. Review status: criteria provided, single submitter. Criteria: Invitae Variant Classification Sherloc (09022015). Collection method: clinical testing. Allele origin: germline.

Blueprint Genetics
Classification: Likely benign. Last evaluated: 2024-08-15. Review status: criteria provided, single submitter. Criteria: ACMG Guidelines, 2015. Collection method: clinical testing. Allele origin: germline.

Genome Diagnostics Laboratory, The Hospital for Sick Children
Classification: Uncertain significance for Kidney disorder. Last evaluated: 2016-12-12. Review status: criteria provided, single submitter. Criteria: ACMG Guidelines, 2015. Collection method: clinical testing. Allele origin: germline.

PreventionGenetics, part of Exact Sciences
Classification: Likely benign for DGKE-related condition. Last evaluated: 2023-08-06. Review status: no assertion criteria provided. Collection method: clinical testing. Allele origin: germline. Not counted in ClinVar's aggregate classification.
Comment: This variant is classified as likely benign based on ACMG/AMP sequence variant interpretation guidelines (Richards et al. 2015 PMID: 25741868, with internal and published modifications).